The following is an entry in ClinVar:

ClinVar aggregate classification (germline): Uncertain significance (1 of 4 stars; one submission).

Submission:

Labcorp Genetics (formerly Invitae), Labcorp
Classification: Uncertain significance. Last evaluated: 2022-07-19. Review status: criteria provided, single submitter. Criteria: Invitae Variant Classification Sherloc (09022015). Collection method: clinical testing. Allele origin: germline.
Comment: Experimental studies and prediction algorithms are not available or were not evaluated, and the functional significance of this variant is currently unknown. This variant has not been reported in the literature in individuals affected with CASQ1-related conditions. The frequency data for this variant in the population databases is considered unreliable, as metrics indicate poor data quality at this position in the gnomAD database. This variant, c.1185_1187dup, results in the insertion of 1 amino acid(s) of the CASQ1 protein (p.*397Aspext*1), but otherwise preserves the integrity of the reading frame. In summary, the available evidence is currently insufficient to determine the role of this variant in disease. Therefore, it has been classified as a Variant of Uncertain Significance.

NM_001231.5(CASQ1):c.1176TGA[5] (p.Asp396dup)

Gene: CASQ1 (calsequestrin 1; plus strand). Cytogenetic location: 1q23.2.
Variant type: Microsatellite.
Coding change: c.1176TGA[5] on transcript NM_001231.5 (MANE Select); five copies in a row of the 3-base unit TGA starting at c.1176; the reference has four copies in a row; one copy, 3 bases duplicated.
Protein change: p.Asp396dup; duplicates aspartic acid 396.
Molecular consequence: inframe insertion.
Genome position (GRCh38, 1-based): chr1:160,201,370-160,201,372, TGA duplicated; duplicating any 3 consecutive bases within chr1:160,201,359-160,201,372 gives the same sequence; the position shown is the placement nearest the transcript's 3' end. VCF-style (leftmost placement, unchanged base first): chr1-160201358-C-CGAT. GRCh37 (hg19) VCF-style: chr1-160171148-C-CGAT.
Identifiers: ClinVar variation 1367894 (VCV001367894.6), dbSNP rs754288969, ClinGen allele CA1196493.
Genomic context (GRCh38, chr1:160,201,358, plus strand): 5'-GGAGCTGGAGGACTGGCTGGAGGATGTCCTGGAGGGCGAGATCAACACAGAGGACGATGA[C>CGAT]GATGATGATGATGACTAGTTGCTATGGCAACCATCTTTCAGCCCCACTGGTCTTTTCATG-3'